The following is an entry in ClinVar:

NM_006939.4(SOS2):c.3665G>T (p.Arg1222Leu)

Gene: SOS2 (SOS Ras/Rho guanine nucleotide exchange factor 2; minus strand). Cytogenetic location: 14q21.3.
Variant type: single nucleotide variant.
Coding change: c.3665G>T on transcript NM_006939.4 (MANE Select); coding-DNA position 3665, G replaced by T.
Protein change: p.Arg1222Leu; replaces arginine 1222 with leucine.
Molecular consequence: missense variant.
Genome position (GRCh38, 1-based): chr14:50,118,678, C>A on the plus strand (G>T on the coding strand, the complement: SOS2 is on the minus strand). VCF-style: chr14-50118678-C-A. GRCh37 (hg19) VCF-style: chr14-50585396-C-A.
Other names: c.3566G>T, p.Arg1189Leu (NM_001411020.1); c.3665G>T (NM_006939.2); short protein forms R1189L, R1222L.
Identifiers: ClinVar variation 2729109 (VCV002729109.4), dbSNP rs1202582363, ClinGen allele CA389638339.

ClinVar aggregate classification (germline): Uncertain significance. Review status: criteria provided, multiple submitters, no conflicts (2 of 4 stars). 2 submissions from 2 submitters: Uncertain significance (2). Last evaluated 2024-10-22.

Conditions:
Cardiovascular phenotype. Identifiers: MedGen CN230736.
Noonan syndrome 9 (NS9). Identifiers: Orphanet 648, MedGen C4225282, MONDO:0014691, OMIM 616559.

gnomAD v4.1: 4 of 1,612,216 alleles (0.00025%); highest among the groups gnomAD compares: Non-Finnish European, 0.00034%; no homozygotes.

Submissions (2):

Labcorp Genetics (formerly Invitae), Labcorp
Classification: Uncertain significance for Noonan syndrome 9. Last evaluated: 2024-10-22. Review status: criteria provided, single submitter. Criteria: Invitae Variant Classification Sherloc (09022015). Collection method: clinical testing. Allele origin: germline.
Comment: This sequence change replaces arginine, which is basic and polar, with leucine, which is neutral and non-polar, at codon 1222 of the SOS2 protein (p.Arg1222Leu). This variant is not present in population databases (gnomAD no frequency). This variant has not been reported in the literature in individuals affected with SOS2-related conditions. Invitae Evidence Modeling of protein sequence and biophysical properties (such as structural, functional, and spatial information, amino acid conservation, physicochemical variation, residue mobility, and thermodynamic stability) indicates that this missense variant is not expected to disrupt SOS2 protein function with a negative predictive value of 95%. In summary, the available evidence is currently insufficient to determine the role of this variant in disease. Therefore, it has been classified as a Variant of Uncertain Significance.

Ambry Genetics
Classification: Uncertain significance for Cardiovascular phenotype. Last evaluated: 2024-06-09. Review status: criteria provided, single submitter. Criteria: Ambry Variant Classification Scheme 2023. Collection method: clinical testing. Allele origin: germline.
Comment: The p.R1222L variant (also known as c.3665G>T), located in coding exon 23 of the SOS2 gene, results from a G to T substitution at nucleotide position 3665. The arginine at codon 1222 is replaced by leucine, an amino acid with dissimilar properties. This amino acid position is conserved. In addition, the in silico prediction for this alteration is inconclusive. Based on the available evidence, the clinical significance of this variant remains unclear.